The following is an entry in ClinVar:

ClinVar aggregate classification (germline): Benign/Likely benign. Review status: criteria provided, multiple submitters, no conflicts (2 of 4 stars). 4 submissions from 4 submitters: Benign (3); Likely benign (1). Last evaluated 2026-02-02.

Conditions:
Ehlers-Danlos syndrome, kyphoscoliotic type 1 (EDSKSCL1). Also called: EHLERS-DANLOS SYNDROME, TYPE VIA; Ehlers-Danlos syndrome, hydroxylysine-deficient; EHLERS-DANLOS SYNDROME, OCULAR-SCOLIOTIC TYPE; PLOD1-Related Kyphoscoliotic Ehlers-Danlos Syndrome. Identifiers: Orphanet 1900, MedGen C0268342, MONDO:0016002, OMIM 225400. Disease mechanism: loss of function.

Allele frequency attached by ClinVar (database versions not stated): gnomAD exomes 0.00088 and 0.00193; ExAC 0.00224; ESP Exome Variant Server 0.00677; gnomAD 0.00711 and 0.00760; TOPMed 0.00830; 1000 Genomes Project 0.00879; 1000 Genomes Project 30x 0.00937.

Submissions (4):

Labcorp Genetics (formerly Invitae), Labcorp
Classification: Benign for Ehlers-Danlos syndrome, kyphoscoliotic type 1. Last evaluated: 2026-02-02. Review status: criteria provided, single submitter. Criteria: Invitae Variant Classification Sherloc (09022015). Collection method: clinical testing. Allele origin: germline.

Women's Health and Genetics/Laboratory Corporation of America, LabCorp
Classification: Benign. Last evaluated: 2023-07-21. Review status: criteria provided, single submitter. Criteria: LabCorp Variant Classification Summary - May 2015. Collection method: clinical testing. Allele origin: germline.

Illumina Laboratory Services, Illumina
Classification: Benign for Ehlers-Danlos syndrome, kyphoscoliotic type 1. Last evaluated: 2018-01-13. Review status: criteria provided, single submitter. Criteria: ICSL Variant Classification Criteria 13 December 2019. Collection method: clinical testing. Allele origin: germline.
Comment: This variant was observed in the ICSL laboratory as part of a predisposition screen in an ostensibly healthy population. It had not been previously curated by ICSL or reported in the Human Gene Mutation Database (HGMD: prior to June 1st, 2018), and was therefore a candidate for classification through an automated scoring system. Utilizing variant allele frequency, disease prevalence and penetrance estimates, and inheritance mode, an automated score was calculated to assess if this variant is too frequent to cause the disease. Based on the score and internal cut-off values, a variant classified as benign is not then subjected to further curation. The score for this variant resulted in a classification of benign for this disease.

GeneDx
Classification: Likely benign. Last evaluated: 2017-12-29. Review status: criteria provided, single submitter. Criteria: GeneDx Variant Classification (06012015). Collection method: clinical testing. Allele origin: germline. Affected: yes.
Comment: This variant is considered likely benign or benign based on one or more of the following criteria: it is a conservative change, it occurs at a poorly conserved position in the protein, it is predicted to be benign by multiple in silico algorithms, and/or has population frequency not consistent with disease.

NM_000302.4(PLOD1):c.302+15G>A

Gene: PLOD1 (procollagen-lysine,2-oxoglutarate 5-dioxygenase 1; plus strand). Cytogenetic location: 1p36.22.
Variant type: single nucleotide variant.
Coding change: c.302+15G>A on transcript NM_000302.4 (MANE Select); 15 bases into the intron after coding-DNA position 302, G replaced by A.
Molecular consequence: intron variant.
Genome position (GRCh38, 1-based): chr1:11,949,921, G>A. VCF-style: chr1-11949921-G-A. GRCh37 (hg19) VCF-style: chr1-12009978-G-A.
Other names: c.443+15G>A (NM_001316320.2).
Identifiers: ClinVar variation 292281 (VCV000292281.18), dbSNP rs140227667, ClinGen allele CA597854.